The following is an entry in ClinVar:

ClinVar aggregate classification (germline): Uncertain significance (1 of 4 stars; one submission).

Conditions:
Duchenne muscular dystrophy (DMD). Also called: MUSCULAR DYSTROPHY, PSEUDOHYPERTROPHIC PROGRESSIVE, DUCHENNE TYPE; Duchenne Muscular Dystrophy (DMD). Identifiers: Orphanet 98896, MedGen C0013264, MONDO:0010679, OMIM 310200.

Submission:

Labcorp Genetics (formerly Invitae), Labcorp
Classification: Uncertain significance for Duchenne muscular dystrophy. Last evaluated: 2025-09-17. Review status: criteria provided, single submitter. Criteria: Invitae Variant Classification Sherloc (09022015). Collection method: clinical testing. Allele origin: germline.
Comment: This sequence change replaces glutamic acid, which is acidic and polar, with glycine, which is neutral and non-polar, at codon 477 of the DMD protein (p.Glu477Gly). This variant is not present in population databases (gnomAD no frequency). This variant has not been reported in the literature in individuals affected with DMD-related conditions. Invitae Evidence Modeling of protein sequence and biophysical properties (such as structural, functional, and spatial information, amino acid conservation, physicochemical variation, residue mobility, and thermodynamic stability) indicates that this missense variant is not expected to disrupt DMD protein function with a negative predictive value of 95%. In summary, the available evidence is currently insufficient to determine the role of this variant in disease. Therefore, it has been classified as a Variant of Uncertain Significance.

NM_004006.3(DMD):c.1430A>G (p.Glu477Gly)

Gene: DMD (dystrophin; minus strand). Cytogenetic location: Xp21.1.
Variant type: single nucleotide variant.
Coding change: c.1430A>G on transcript NM_004006.3 (MANE Select); coding-DNA position 1430, A replaced by G.
Protein change: p.Glu477Gly; replaces glutamic acid 477 with glycine.
Molecular consequence: missense variant.
Genome position (GRCh38, 1-based): chrX:32,614,355, T>C on the plus strand (A>G on the coding strand, the complement: DMD is on the minus strand). VCF-style: chrX-32614355-T-C. GRCh37 (hg19) VCF-style: chrX-32632472-T-C.
Other names: c.1406A>G, p.Glu469Gly (NM_000109.4); c.1418A>G, p.Glu473Gly (NM_004009.3); c.1061A>G, p.Glu354Gly (NM_004010.3); short protein forms E354G, E473G, E477G, E469G.
Identifiers: ClinVar variation 4781069 (VCV004781069.1).